The following is an entry in ClinVar:

NM_001348323.3(TRIP12):c.25C>T (p.Pro9Ser)

Gene: TRIP12 (thyroid hormone receptor interactor 12; minus strand). Cytogenetic location: 2q36.3.
Variant type: single nucleotide variant.
Coding change: c.25C>T on transcript NM_001348323.3 (MANE Select); coding-DNA position 25, C replaced by T.
Protein change: p.Pro9Ser; replaces proline 9 with serine.
Molecular consequence: missense variant.
Genome position (GRCh38, 1-based): chr2:229,880,055, G>A on the plus strand (C>T on the coding strand, the complement: TRIP12 is on the minus strand). VCF-style: chr2-229880055-G-A. GRCh37 (hg19) VCF-style: chr2-230744771-G-A.
Other names: c.25C>T, p.Pro9Ser (NM_001284214.2, NM_001284215.2, NM_001284216.2 and 22 more transcripts); short protein forms P9S.
Identifiers: ClinVar variation 4755724 (VCV004755724.1).

ClinVar aggregate classification (germline): Uncertain significance (1 of 4 stars; one submission).

gnomAD v4.1: 2 of 1,614,030 alleles (0.00012%); highest among the groups gnomAD compares: South Asian, 0.0022%; no homozygotes.

Submission:

GeneDx
Classification: Uncertain significance. Last evaluated: 2025-08-08. Review status: criteria provided, single submitter. Criteria: GeneDx Variant Classification Process June 2021. Collection method: clinical testing. Allele origin: germline. Affected: yes.
Comment: Not observed at significant frequency in large population cohorts (gnomAD); In silico analysis supports that this missense variant has a deleterious effect on protein structure/function; Has not been previously published as pathogenic or benign to our knowledge